The following is an entry in ClinVar:

ClinVar aggregate classification (germline): Uncertain significance (1 of 4 stars; one submission).

Submission:

GeneDx
Classification: Uncertain significance. Last evaluated: 2016-03-06. Review status: criteria provided, single submitter. Criteria: GeneDx Variant Classification (06012015). Collection method: clinical testing. Allele origin: germline. Affected: yes.
Comment: A variant of uncertain significance has been identified in the CHD2 gene. The D617G variant has not been published as a pathogenic variant, nor has it been reported as a benign variant to our knowledge. It was not observed in approximately 6,500 individuals of European and African American ancestry in the NHLBI Exome Sequencing Project, indicating it is not a common benign variant in these populations. The D617G variant is a non-conservative amino acid substitution, which is likely to impact secondary protein structure as these residues differ in polarity, charge, size and/or other properties. This substitution occurs at a position that is conserved across species and in silico analysis predicts this variant is probably damaging to the protein structure/function. However, missense variants in nearby residues have not been reported in Human Gene Mutation Database in association with CHD2-related disorders (Stenson et al., 2014), Therefore, based on the currently available information, it is unclear whether this variant is a pathogenic variant or a rare benign variant.

NM_001271.4(CHD2):c.1850A>G (p.Asp617Gly)

Gene: CHD2 (chromodomain helicase DNA binding protein 2; plus strand). Cytogenetic location: 15q26.1.
Variant type: single nucleotide variant.
Coding change: c.1850A>G on transcript NM_001271.4 (MANE Select); coding-DNA position 1850, A replaced by G.
Protein change: p.Asp617Gly; replaces aspartic acid 617 with glycine.
Molecular consequence: missense variant.
Genome position (GRCh38, 1-based): chr15:92,956,499, A>G. VCF-style: chr15-92956499-A-G. GRCh37 (hg19) VCF-style: chr15-93499729-A-G.
Other names: short protein forms D617G.
Identifiers: ClinVar variation 420542 (VCV000420542.2), dbSNP rs1064794545, ClinGen allele CA16620041.